The following is an entry in ClinVar:

NM_020066.5(FMN2):c.2769G>A (p.Pro923=)

Gene: FMN2 (formin 2; plus strand). Cytogenetic location: 1q43.
Variant type: single nucleotide variant.
Coding change: c.2769G>A on transcript NM_020066.5 (MANE Select); coding-DNA position 2769, G replaced by A.
Protein change: p.Pro923=; no amino-acid change (proline 923 retained).
Molecular consequence: synonymous variant. On other transcripts: intron variant (1).
Genome position (GRCh38, 1-based): chr1:240,207,581, G>A. VCF-style: chr1-240207581-G-A. GRCh37 (hg19) VCF-style: chr1-240370881-G-A.
Other names: c.2781G>A, p.Pro927= (NM_001305424.2); c.1986+19319G>A (NM_001348094.2).
Identifiers: ClinVar variation 2640132 (VCV002640132.24), dbSNP rs781266121, ClinGen allele CA1476725.

ClinVar aggregate classification (germline): Likely benign (1 of 4 stars; one submission).

Allele frequency attached by ClinVar (database versions not stated): ExAC 0.00002.

Submission:

CeGaT Center for Human Genetics Tuebingen
Classification: Likely benign. Last evaluated: 2026-06-01. Review status: criteria provided, single submitter. Criteria: CeGaT Center For Human Genetics Tuebingen Variant Classification Criteria Version 2. Collection method: clinical testing. Allele origin: germline. Affected: yes. Observed: 4 variant alleles.
Comment: FMN2: BP4, BP7